The following is an entry in ClinVar:

NM_001142800.2(EYS):c.2739G>A (p.Arg913=)

Gene: EYS (EGF-like photoreceptor maintenance factor; minus strand). Cytogenetic location: 6q12.
Variant type: single nucleotide variant.
Coding change: c.2739G>A on transcript NM_001142800.2 (MANE Select); coding-DNA position 2739, G replaced by A.
Protein change: p.Arg913=; no amino-acid change (arginine 913 retained).
Molecular consequence: synonymous variant.
Genome position (GRCh38, 1-based): chr6:64,902,220, C>T on the plus strand (G>A on the coding strand, the complement: EYS is on the minus strand). VCF-style: chr6-64902220-C-T. GRCh37 (hg19) VCF-style: chr6-65612113-C-T.
Other names: c.2739G>A, p.Arg913= (NM_001292009.2).
Identifiers: ClinVar variation 357724 (VCV000357724.18), dbSNP rs77020971, ClinGen allele CA3877251.

ClinVar aggregate classification (germline): Benign/Likely benign. Review status: criteria provided, multiple submitters, no conflicts (2 of 4 stars). 5 submissions from 5 submitters: Benign (2); Likely benign (2). 1 of the submissions does not count toward it. Last evaluated 2026-02-02.

Conditions:
Retinitis pigmentosa (RP). Identifiers: Orphanet 791, MedGen C0035334, MeSH D012174, MONDO:0019200, OMIM 268000. Inheritance: Autosomal dominant, autosomal recessive and X linked inheritance.

Allele frequency attached by ClinVar (database versions not stated): gnomAD exomes 0.00512; ExAC 0.00902; gnomAD 0.02117; TOPMed 0.02451; ESP Exome Variant Server 0.02564; 1000 Genomes Project 0.02616; 1000 Genomes Project 30x 0.02826.
gnomAD v4.1: 6,281 of 1,545,122 alleles (0.41%); highest among the groups gnomAD compares: African/African-American, 7.7%; 231 homozygotes.

Submissions (5):

Labcorp Genetics (formerly Invitae), Labcorp
Classification: Benign. Last evaluated: 2026-02-02. Review status: criteria provided, single submitter. Criteria: Invitae Variant Classification Sherloc (09022015). Collection method: clinical testing. Allele origin: germline.

Women's Health and Genetics/Laboratory Corporation of America, LabCorp
Classification: Benign. Last evaluated: 2025-02-03. Review status: criteria provided, single submitter. Criteria: LabCorp Variant Classification Summary - May 2015. Collection method: clinical testing. Allele origin: germline.

Illumina Laboratory Services, Illumina
Classification: Likely benign for Retinitis pigmentosa. Last evaluated: 2018-01-12. Review status: criteria provided, single submitter. Criteria: ICSL Variant Classification Criteria 13 December 2019. Collection method: clinical testing. Allele origin: germline.
Comment: This variant was observed in the ICSL laboratory as part of a predisposition screen in an ostensibly healthy population. It had not been previously curated by ICSL or reported in the Human Gene Mutation Database (HGMD: prior to June 1st, 2018), and was therefore a candidate for classification through an automated scoring system. Utilizing variant allele frequency, disease prevalence and penetrance estimates, and inheritance mode, an automated score was calculated to assess if this variant is too frequent to cause the disease. Based on the score and internal cut-off values, a variant classified as likely benign is not then subjected to further curation. The score for this variant resulted in a classification of likely benign for this disease.

Breakthrough Genomics
Classification: Likely benign. Review status: criteria provided, single submitter. Criteria: ACMG Guidelines, 2015. Collection method: not provided. Allele origin: germline. Inheritance: Autosomal recessive inheritance. Affected: yes.

Natera, Inc.
Classification: Benign for Retinitis pigmentosa. Last evaluated: 2020-09-16. Review status: no assertion criteria provided. Collection method: clinical testing. Allele origin: germline. Not counted in ClinVar's aggregate classification.